The following is an entry in ClinVar:

NM_000455.5(STK11):c.504T>C (p.His168=)

Gene: STK11 (serine/threonine kinase 11; plus strand). Cytogenetic location: 19p13.3.
Variant type: single nucleotide variant.
Coding change: c.504T>C on transcript NM_000455.5 (MANE Select); coding-DNA position 504, T replaced by C.
Protein change: p.His168=; no amino-acid change (histidine 168 retained).
Molecular consequence: synonymous variant.
Genome position (GRCh38, 1-based): chr19:1,220,412, T>C. VCF-style: chr19-1220412-T-C. GRCh37 (hg19) VCF-style: chr19-1220411-T-C.
Other names: p.His168=.
Identifiers: ClinVar variation 628564 (VCV000628564.19), dbSNP rs754986576, ClinGen allele CA048003.

ClinVar aggregate classification (germline): Benign/Likely benign. Review status: criteria provided, multiple submitters, no conflicts (2 of 4 stars). 7 submissions from 7 submitters: Benign (1); Likely benign (5). 1 of the submissions does not count toward it. Last evaluated 2025-08-11.

Conditions:
Peutz-Jeghers syndrome (PJS). Also called: POLYPOSIS, HAMARTOMATOUS INTESTINAL; POLYPS-AND-SPOTS SYNDROME; Peutz-Jeghers polyposis; Periorificial lentiginosis syndrome. Identifiers: Orphanet 2869, MedGen C0031269, MeSH D010580, MONDO:0008280, OMIM 175200.
Familial ovarian cancer. Identifiers: MedGen C5679802, MONDO:0016248.
Hereditary cancer-predisposing syndrome. Also called: Tumor predisposition; Neoplastic Syndromes, Hereditary; Hereditary Cancer Syndrome; Hereditary neoplastic syndrome. Identifiers: Orphanet 140162, MedGen C0027672, MeSH D009386, MONDO:0015356.

Allele frequency attached by ClinVar (database versions not stated): TOPMed 0.00001; gnomAD exomes below 0.00001; ExAC 0.00001; gnomAD 0.00001.
gnomAD v4.1: 2 of 1,605,128 alleles (0.00012%); highest among the groups gnomAD compares: Non-Finnish European, 0.00017%; no homozygotes.

Submissions (7):

Labcorp Genetics (formerly Invitae), Labcorp
Classification: Likely benign for Peutz-Jeghers syndrome. Last evaluated: 2025-08-11. Review status: criteria provided, single submitter. Criteria: Invitae Variant Classification Sherloc (09022015). Collection method: clinical testing. Allele origin: germline.

Mayo Clinic Laboratories, Mayo Clinic
Classification: Likely benign. Last evaluated: 2025-05-28. Review status: criteria provided, single submitter. Criteria: ACMG Guidelines, 2015. Collection method: clinical testing. Allele origin: germline. Observed: 1 variant allele.
Comment: BP4, BP7

Myriad Genetics, Inc.
Classification: Benign for Peutz-Jeghers syndrome. Last evaluated: 2025-03-26. Review status: criteria provided, single submitter. Criteria: Myriad Autosomal Dominant, Autosomal Recessive and X-Linked Classification Criteria (2023). Collection method: clinical testing. Allele origin: unknown.
Comment: This variant is considered benign. This variant is a silent/synonymous amino acid change and it is not expected to impact splicing.

All of Us Research Program, National Institutes of Health
Classification: Likely benign for Peutz-Jeghers syndrome. Last evaluated: 2023-07-10. Review status: criteria provided, single submitter. Criteria: ACMG Guidelines, 2015. Collection method: clinical testing. Allele origin: germline. Inheritance: Autosomal dominant inheritance. Observed: 1 variant allele, 1 heterozygote.
Comment: This study involves interpretation of variants in research participants for the purpose of population health screening. Participant phenotype was not available at the time of variant classification. Additional details can be found in publication PMID: 35346344, PMCID: PMC8962531

Ambry Genetics
Classification: Likely benign for Hereditary cancer-predisposing syndrome. Last evaluated: 2017-09-28. Review status: criteria provided, single submitter. Criteria: Ambry Variant Classification Scheme 2023. Collection method: clinical testing. Allele origin: germline.

Color Diagnostics, LLC DBA Color Health
Classification: Likely benign for Hereditary cancer-predisposing syndrome. Last evaluated: 2016-04-27. Review status: criteria provided, single submitter. Criteria: ACMG Guidelines, 2015. Collection method: clinical testing. Allele origin: germline.

Department of Pathology and Laboratory Medicine, Sinai Health System
Classification: Likely benign for Familial ovarian cancer. Review status: no assertion criteria provided. Collection method: clinical testing. Allele origin: unknown. Affected: yes. Study: The Canadian Open Genetics Repository (COGR). Not counted in ClinVar's aggregate classification.
Comment: The STK11 p.His168= variant was not identified in the literature nor was it identified in the ClinVar, or LOVD 3.0 databases. The variant was identified in dbSNP (ID: rs754986576). The variant was identified in control databases in 1 of 230926 chromosomes at a frequency of 0.000004 (Genome Aggregation Database Feb 27, 2017). The variant was observed in the European population in 1 of 104608 chromosomes (freq: 0.00001), while the variant was not observed in the African, Other, Latino, Ashkenazi Jewish, East Asian, Finnish, or South Asian populations. The p.His168= variant is not expected to have clinical significance because it does not result in a change of amino acid and is not located in a known consensus splice site. In addition, in silico or computational prediction software programs (SpliceSiteFinder, MaxEntScan, NNSPLICE, GeneSplicer) do not predict a difference in splicing. In summary, based on the above information the clinical significance of this variant cannot be determined with certainty at this time although we would lean towards a more benign role for this variant. This variant is classified as likely benign.